The following is an entry in ClinVar:

NM_025215.6(PUS1):c.728A>G (p.His243Arg)

Gene: PUS1 (pseudouridine synthase 1; plus strand). Cytogenetic location: 12q24.33.
Variant type: single nucleotide variant.
Coding change: c.728A>G on transcript NM_025215.6 (MANE Select); coding-DNA position 728, A replaced by G.
Protein change: p.His243Arg; replaces histidine 243 with arginine.
Molecular consequence: missense variant.
Genome position (GRCh38, 1-based): chr12:131,941,475, A>G. VCF-style: chr12-131941475-A-G. GRCh37 (hg19) VCF-style: chr12-132426020-A-G.
Other names: p.H243R:CAC>CGC; c.644A>G, p.His215Arg (NM_001002019.3, NM_001002020.3); short protein forms H215R, H243R.
Identifiers: ClinVar variation 215045 (VCV000215045.2), dbSNP rs863224175, ClinGen allele CA321185.

ClinVar aggregate classification (germline): Uncertain significance (1 of 4 stars; one submission).

Allele frequency attached by ClinVar (database versions not stated): gnomAD exomes below 0.00001.

Submission:

GeneDx
Classification: Uncertain significance. Last evaluated: 2013-01-10. Review status: criteria provided, single submitter. Criteria: GeneDx Variant Classification (06012015). Collection method: clinical testing. Allele origin: germline. Affected: yes.
Comment: p.His243Arg (CAC>CGC): c.728 A>G in exon 5 of the PUS1 gene (NM_025215.5) A variant of unknown significance has been identified in the PUS1 gene. The H243R missense substitution has not been published as a mutation, nor has it been reported as a benign polymorphism to our knowledge. The amino acid change is conservative in that both Histidine and Arginine are positively charged amino acids. However, this change occurs at a position in the PUS1 protein that is highly conserved in mammals, and in-silico analysis predicts that H243R is damaging to the PUS1 protein. Therefore, based on the currently available information, it is unclear whether H243R is a disease-causing mutation or a rare benign variant. The variant is found in MITONUC-MITOP panel(s).